The following is an entry in ClinVar:

ClinVar aggregate classification (germline): Uncertain significance (1 of 4 stars; one submission).

Conditions:
Inborn genetic diseases. Identifiers: MedGen C0950123, MeSH D030342.

Allele frequency attached by ClinVar (database versions not stated): gnomAD exomes below 0.00001; TOPMed below 0.00001; gnomAD 0.00001.
gnomAD v4.1: 4 of 1,613,712 alleles (0.00025%); highest among the groups gnomAD compares: Non-Finnish European, 0.00034%; no homozygotes.

Submission:

Ambry Genetics
Classification: Uncertain significance for Inborn genetic diseases. Last evaluated: 2023-11-14. Review status: criteria provided, single submitter. Criteria: Ambry Variant Classification Scheme 2023. Collection method: clinical testing. Allele origin: germline.
Comment: The p.S497F variant (also known as c.1490C>T), located in coding exon 11 of the BUB1B gene, results from a C to T substitution at nucleotide position 1490. The serine at codon 497 is replaced by phenylalanine, an amino acid with highly dissimilar properties. This amino acid position is conserved. In addition, this alteration is predicted to be tolerated by in silico analysis. Since supporting evidence is limited at this time, the clinical significance of this alteration remains unclear.

NM_001211.6(BUB1B):c.1490C>T (p.Ser497Phe)

Gene: BUB1B (BUB1 mitotic checkpoint serine/threonine kinase B; plus strand). Cytogenetic location: 15q15.1.
Variant type: single nucleotide variant.
Coding change: c.1490C>T on transcript NM_001211.6 (MANE Select); coding-DNA position 1490, C replaced by T.
Protein change: p.Ser497Phe; replaces serine 497 with phenylalanine.
Molecular consequence: missense variant.
Genome position (GRCh38, 1-based): chr15:40,200,332, C>T. VCF-style: chr15-40200332-C-T. GRCh37 (hg19) VCF-style: chr15-40492533-C-T.
Other names: short protein forms S497F.
Identifiers: ClinVar variation 1773770 (VCV001773770.2), dbSNP rs1442067238, ClinGen allele CA391690158.